The following is an entry in ClinVar:

ClinVar aggregate classification (germline): Uncertain significance (1 of 4 stars; one submission).

Allele frequency attached by ClinVar (database versions not stated): gnomAD exomes below 0.00001; gnomAD 0.00001.
gnomAD v4.1: 3 of 1,611,424 alleles (0.00019%); highest among the groups gnomAD compares: Non-Finnish European, 0.00017%; no homozygotes.

Submission:

GeneDx
Classification: Uncertain significance. Last evaluated: 2022-09-15. Review status: criteria provided, single submitter. Criteria: GeneDx Variant Classification Process June 2021. Collection method: clinical testing. Allele origin: germline. Affected: yes.
Comment: Not observed at significant frequency in large population cohorts (gnomAD); In silico analysis supports that this variant does not alter splicing; Has not been previously published as pathogenic or benign to our knowledge

NM_005157.6(ABL1):c.1085+5G>A

Gene: ABL1 (ABL proto-oncogene 1, non-receptor tyrosine kinase; plus strand). Cytogenetic location: 9q34.12.
Variant type: single nucleotide variant.
Coding change: c.1085+5G>A on transcript NM_005157.6 (MANE Select); 5 bases into the intron after coding-DNA position 1085, G replaced by A.
Molecular consequence: intron variant.
Genome position (GRCh38, 1-based): chr9:130,873,042, G>A. VCF-style: chr9-130873042-G-A. GRCh37 (hg19) VCF-style: chr9-133748429-G-A.
Other names: c.1142+5G>A (NM_007313.3).
Identifiers: ClinVar variation 2444784 (VCV002444784.1), dbSNP rs1831279556, ClinGen allele CA1129552043.